The following is an entry in ClinVar:

NM_003611.3(OFD1):c.2757+17G>C

Gene: OFD1 (OFD1 centriole and centriolar satellite protein; plus strand). Cytogenetic location: Xp22.2.
Variant type: single nucleotide variant.
Coding change: c.2757+17G>C on transcript NM_003611.3 (MANE Select); 17 bases into the intron after coding-DNA position 2757, G replaced by C.
Molecular consequence: intron variant.
Genome position (GRCh38, 1-based): chrX:13,767,301, G>C. VCF-style: chrX-13767301-G-C. GRCh37 (hg19) VCF-style: chrX-13785420-G-C.
Other names: c.2337+17G>C (NM_001330210.2); c.2637+17G>C (NM_001330209.2).
Identifiers: ClinVar variation 2938191 (VCV002938191.3), dbSNP rs2518991671, ClinGen allele CA2499787049.
Genomic context (GRCh38, chrX:13,767,301, plus strand): 5'-TAGAAAGGGAACGAAGAGAACTAGAAAAACTGTATCAGGAAAGGGTAATAAGTATGACTT[G>C]ATTCTCTGAACTGGTTGCTCCATTGTACACCTTTCGTAAGTACATTGAGCTCAGGGAGGG-3'

ClinVar aggregate classification (germline): Uncertain significance (1 of 4 stars; one submission).

Conditions:
Joubert syndrome. Also called: CEREBELLOPARENCHYMAL DISORDER IV; JOUBERT-BOLTSHAUSER SYNDROME; Familial aplasia of the vermis. Identifiers: Orphanet 475, MedGen C5979921, MONDO:0018772.
Orofaciodigital syndrome I (OFD1). Also called: OFDS I; Papillon-Leage and Psaume Syndrome; Oral-Facial-Digital Syndrome Type I. Identifiers: Orphanet 2750, MedGen C1510460, MONDO:0010702, OMIM 311200.

Allele frequency attached by ClinVar (database versions not stated): gnomAD exomes below 0.00001.

Submission:

Labcorp Genetics (formerly Invitae), Labcorp
Classification: Uncertain significance for Orofaciodigital syndrome I; Joubert syndrome. Last evaluated: 2024-06-21. Review status: criteria provided, single submitter. Criteria: Invitae Variant Classification Sherloc (09022015). Collection method: clinical testing. Allele origin: germline.
Comment: This sequence change falls in intron 20 of the OFD1 gene. It does not directly change the encoded amino acid sequence of the OFD1 protein. This variant is not present in population databases (gnomAD no frequency). This variant has not been reported in the literature in individuals affected with OFD1-related conditions. Algorithms developed to predict the effect of sequence changes on RNA splicing suggest that this variant may disrupt the consensus splice site. In summary, the available evidence is currently insufficient to determine the role of this variant in disease. Therefore, it has been classified as a Variant of Uncertain Significance.